The following is an entry in ClinVar:

ClinVar aggregate classification (germline): Uncertain significance (1 of 4 stars; one submission).

Allele frequency attached by ClinVar (database versions not stated): gnomAD exomes below 0.00001; gnomAD 0.00001.
gnomAD v4.1: 3 of 1,568,436 alleles (0.00019%); highest among the groups gnomAD compares: Admixed American, 0.0034%; no homozygotes.

Submission:

Labcorp Genetics (formerly Invitae), Labcorp
Classification: Uncertain significance. Last evaluated: 2022-10-24. Review status: criteria provided, single submitter. Criteria: Invitae Variant Classification Sherloc (09022015). Collection method: clinical testing. Allele origin: germline.
Comment: In summary, the available evidence is currently insufficient to determine the role of this variant in disease. Therefore, it has been classified as a Variant of Uncertain Significance. Algorithms developed to predict the effect of missense changes on protein structure and function output the following: SIFT: "Deleterious"; PolyPhen-2: "Benign"; Align-GVGD: "Class C25". The valine amino acid residue is found in multiple mammalian species, which suggests that this missense change does not adversely affect protein function. This variant has not been reported in the literature in individuals affected with IARS-related conditions. This variant is not present in population databases (gnomAD no frequency). This sequence change replaces isoleucine, which is neutral and non-polar, with valine, which is neutral and non-polar, at codon 870 of the IARS protein (p.Ile870Val).

NM_002161.6(IARS1):c.2608A>G (p.Ile870Val)

Gene: IARS1 (isoleucyl-tRNA synthetase 1; minus strand). Cytogenetic location: 9q22.31.
Variant type: single nucleotide variant.
Coding change: c.2608A>G on transcript NM_002161.6 (MANE Select); coding-DNA position 2608, A replaced by G.
Protein change: p.Ile870Val; replaces isoleucine 870 with valine.
Molecular consequence: missense variant. On other transcripts: non-coding transcript variant (1).
Genome position (GRCh38, 1-based): chr9:92,249,866, T>C on the plus strand (A>G on the coding strand, the complement: IARS1 is on the minus strand). VCF-style: chr9-92249866-T-C. GRCh37 (hg19) VCF-style: chr9-95012148-T-C.
Other names: c.2533A>G, p.Ile845Val (NM_001374299.1, NM_001374300.1, NM_001378584.1); c.2524A>G, p.Ile842Val (NM_001374301.1); c.2671A>G, p.Ile891Val (NM_001378569.1); c.2629A>G, p.Ile877Val (NM_001378571.1); c.2608A>G, p.Ile870Val (NM_001378572.1, NM_001378573.1, NM_001378574.1 and 9 more transcripts); c.2512A>G, p.Ile838Val (NM_001378582.1); c.2485A>G, p.Ile829Val (NM_001378583.1); short protein forms I838V, I845V, I877V, I891V, I842V, I829V, I870V.
Identifiers: ClinVar variation 1949284 (VCV001949284.5), dbSNP rs999093095, ClinGen allele CA195407296.